The following is an entry in ClinVar:

NC_000002.11:g.(?_233001172)_(233075125_?)del

Gene: DIS3L2 (DIS3 like 3'-5' exoribonuclease 2; plus strand). Cytogenetic location: 2q37.1.
Variant type: Deletion.
Identifiers: ClinVar variation 1071532 (VCV001071532.3).

ClinVar aggregate classification (germline): Pathogenic (1 of 4 stars; one submission).

Conditions:
Perlman syndrome (PRLMNS). Identifiers: Orphanet 2849, MedGen C0796113, MONDO:0009965, OMIM 267000.

Submission:

Labcorp Genetics (formerly Invitae), Labcorp
Classification: Pathogenic for Perlman syndrome. Last evaluated: 2022-10-13. Review status: criteria provided, single submitter. Criteria: Invitae Variant Classification Sherloc (09022015). Collection method: clinical testing. Allele origin: germline.
Comment: For these reasons, this variant has been classified as Pathogenic. This variant has not been reported in the literature in individuals affected with DIS3L2-related conditions. This variant is a gross deletion of the genomic region encompassing exon(s) 8-10 of the DIS3L2 gene. This deletion is out-of-frame, and is expected to create a premature termination codon and result in an absent or disrupted protein product. Loss-of-function variants in DIS3L2 are known to be pathogenic (PMID: 22306653, 28328139).

Literature cited by the submitters: PubMed 22306653; PubMed 28328139.